The following is an entry in ClinVar:

ClinVar aggregate classification (germline): Uncertain significance (1 of 4 stars; one submission).

Conditions:
CYP11B1-related disorder. Also called: CYP11B1-related condition.

gnomAD v4.1: 2 of 1,614,214 alleles (0.00012%); highest among the groups gnomAD compares: Admixed American, 0.0033%; no homozygotes.

Submission:

PreventionGenetics, part of Exact Sciences
Classification: Uncertain significance for CYP11B1-related condition. Last evaluated: 2025-01-21. Review status: criteria provided, single submitter. Criteria: ACMG Guidelines, 2015. Collection method: clinical testing. Allele origin: germline.
Comment: The CYP11B1 c.460G>C variant is predicted to result in the amino acid substitution p.Val154Leu. To our knowledge, this variant has not been reported in the literature or in a large population database (gnomAD), indicating this variant is rare. At this time, the clinical significance of this variant is uncertain due to the absence of conclusive functional and genetic evidence.

NM_000497.4(CYP11B1):c.460G>C (p.Val154Leu)

Genes: CYP11B1 (cytochrome P450 family 11 subfamily B member 1; minus strand), LOC106799833 (CYP11B1 recombination region; plus strand). Cytogenetic location: 8q24.3.
Variant type: single nucleotide variant.
Coding change: c.460G>C on transcript NM_000497.4 (MANE Select); coding-DNA position 460, G replaced by C.
Protein change: p.Val154Leu; replaces valine 154 with leucine.
Molecular consequence: missense variant.
Genome position (GRCh38, 1-based): chr8:142,877,158, C>G on the plus strand (G>C on the coding strand, the complement: CYP11B1 is on the minus strand). VCF-style: chr8-142877158-C-G. GRCh37 (hg19) VCF-style: chr8-143958574-C-G.
Other names: c.460G>C, p.Val154Leu (NM_001026213.1); short protein forms V154L.
Identifiers: ClinVar variation 4997494 (VCV004997494.1).